The following is an entry in ClinVar:

ClinVar aggregate classification (germline): Uncertain significance (0 of 4 stars; one submission).

Conditions:
CREBBP-related disorder. Also called: CREBBP-related condition; CREBBP-related disorders.

Submission:

PreventionGenetics, part of Exact Sciences
Classification: Uncertain significance for CREBBP-related condition. Last evaluated: 2024-01-03. Review status: no assertion criteria provided. Collection method: clinical testing. Allele origin: germline.
Comment: The CREBBP c.4181A>G variant is predicted to result in the amino acid substitution p.Lys1394Arg. To our knowledge, this variant has not been reported in the literature or in a large population database, indicating this variant is rare. At this time, the clinical significance of this variant is uncertain due to the absence of conclusive functional and genetic evidence.

NM_004380.3(CREBBP):c.4181A>G (p.Lys1394Arg)

Gene: CREBBP (CREB binding lysine acetyltransferase; minus strand). Cytogenetic location: 16p13.3.
Variant type: single nucleotide variant.
Coding change: c.4181A>G on transcript NM_004380.3 (MANE Select); coding-DNA position 4181, A replaced by G.
Protein change: p.Lys1394Arg; replaces lysine 1394 with arginine.
Molecular consequence: missense variant.
Genome position (GRCh38, 1-based): chr16:3,739,677, T>C on the plus strand (A>G on the coding strand, the complement: CREBBP is on the minus strand). VCF-style: chr16-3739677-T-C. GRCh37 (hg19) VCF-style: chr16-3789678-T-C.
Other names: c.4067A>G, p.Lys1356Arg (NM_001079846.1); short protein forms K1356R, K1394R.
Identifiers: ClinVar variation 3348848 (VCV003348848.1).